The following is an entry in ClinVar:

NM_000051.4(ATM):c.1803-2A>G

Gene: ATM (ATM serine/threonine kinase; plus strand). Cytogenetic location: 11q22.3.
Variant type: single nucleotide variant.
Coding change: c.1803-2A>G on transcript NM_000051.4 (MANE Select); the canonical splice acceptor site of the intron before coding-DNA position 1803, A replaced by G.
Molecular consequence: splice acceptor variant.
Genome position (GRCh38, 1-based): chr11:108,252,815, A>G. VCF-style: chr11-108252815-A-G. GRCh37 (hg19) VCF-style: chr11-108123542-A-G.
Other names: c.1803-2A>G (NM_001351834.2).
Identifiers: ClinVar variation 371548 (VCV000371548.25), dbSNP rs1057517358, ClinGen allele CA16041386.
Genomic context (GRCh38, chr11:108,252,815, plus strand): 5'-TTTAAAGTATTCTTTACATGGCTTTTGGTCTTCTAAGTGAAGCTTTTTGTTTTTCTTTGT[A>G]GTAATTTTCCTCATCTTGTACTGGAGAAAATTCTTGTGAGTCTCACTATGAAAAACTGTA-3'

ClinVar aggregate classification (germline): Likely pathogenic. Review status: criteria provided, multiple submitters, no conflicts (2 of 4 stars). 10 submissions from 10 submitters: Likely pathogenic (6). 4 of the submissions do not count toward it. Last evaluated 2025-03-04.

Conditions:
Hereditary cancer-predisposing syndrome. Also called: Tumor predisposition; Hereditary Cancer Syndrome; Hereditary neoplastic syndrome; Neoplastic Syndromes, Hereditary. Identifiers: Orphanet 140162, MedGen C0027672, MeSH D009386, MONDO:0015356.
Familial cancer of breast. Also called: Hereditary breast cancer; BREAST CANCER, FAMILIAL; hereditary breast carcinoma. Identifiers: Orphanet 227535, MedGen C0346153, MONDO:0016419, OMIM 114480. Disease mechanism: loss of function.
Ataxia-telangiectasia syndrome (AT). Also called: ATAXIA-TELANGIECTASIA, COMPLEMENTATION GROUP A; ATAXIA-TELANGIECTASIA, FRESNO VARIANT; Ataxia-telangiectasia; Ataxia telangiectasia (A-T); Cerebello-oculocutaneous telangiectasia; Immunodeficiency with ataxia telangiectasia. Identifiers: Orphanet 100, MedGen C0004135, MONDO:0008840, OMIM 208900.

Submissions (10):

Center for Genomic Medicine, Rigshospitalet, Copenhagen University Hospital
Classification: Likely pathogenic. Last evaluated: 2025-03-04. Review status: criteria provided, single submitter. Criteria: ACMG Guidelines, 2015. Collection method: clinical testing. Allele origin: germline.

Ambry Genetics
Classification: Likely pathogenic for Hereditary cancer-predisposing syndrome. Last evaluated: 2024-11-20. Review status: criteria provided, single submitter. Criteria: Ambry Variant Classification Scheme 2023. Collection method: clinical testing. Allele origin: germline.
Comment: The c.1803-2A>G intronic variant results from an A to G substitution two nucleotides upstream from coding exon 11 in the ATM gene. This nucleotide position is highly conserved in available vertebrate species. In silico splice site analysis predicts that this alteration will weaken the native splice acceptor site and will result in the creation or strengthening of a novel splice acceptor site. RNA studies have demonstrated that this alteration results in abnormal splicing in the set of samples tested (Ambry internal data). Alterations that disrupt the canonical splice site are expected to cause aberrant splicing, resulting in an abnormal protein or a transcript that is subject to nonsense-mediated mRNA decay. Based on the majority of available evidence to date, this variant is likely to be pathogenic.

Baylor Genetics
Classification: Likely pathogenic for Familial cancer of breast. Last evaluated: 2024-01-25. Review status: criteria provided, single submitter. Criteria: ACMG Guidelines, 2015. Collection method: clinical testing. Allele origin: unknown.

Myriad Genetics, Inc.
Classification: Likely pathogenic for Familial cancer of breast. Last evaluated: 2024-01-16. Review status: criteria provided, single submitter. Criteria: Myriad Autosomal Dominant, Autosomal Recessive and X-Linked Classification Criteria (2023). Collection method: clinical testing. Allele origin: unknown.
Comment: This variant is considered likely pathogenic. This variant occurs within a consensus splice junction and is predicted to result in abnormal mRNA splicing of either an out-of-frame exon or an in-frame exon necessary for protein stability and/or normal function.

Color Diagnostics, LLC DBA Color Health
Classification: Likely pathogenic for Hereditary cancer-predisposing syndrome. Last evaluated: 2023-08-01. Review status: criteria provided, single submitter. Criteria: ACMG Guidelines, 2015. Collection method: clinical testing. Allele origin: germline.
Comment: This variant causes an A to G nucleotide substitution at the -2 position of intron 11 of the ATM gene. Splice site prediction tools suggest that this variant may have a significant impact on RNA splicing via activation of a cryptic acceptor site. Although this prediction has not been confirmed in published RNA studies in the literature, this variant is expected to result in an absent or disrupted protein product. Abnormal RNA splicing has been reported in testing done by other laboratories (ClinVar: SCV002710828.2, SCV000947487.5). This variant has not been reported in individuals affected with ATM-related disorders in the literature. This variant has not been identified in the general population by the Genome Aggregation Database (gnomAD). Loss of ATM function is a known mechanism of disease. Based on the available evidence, this variant is classified as Likely Pathogenic.

Labcorp Genetics (formerly Invitae), Labcorp
Classification: Likely pathogenic for Ataxia-telangiectasia syndrome. Last evaluated: 2022-06-26. Review status: criteria provided, single submitter. Criteria: Invitae Variant Classification Sherloc (09022015). Collection method: clinical testing. Allele origin: germline.
Comment: In summary, the currently available evidence indicates that the variant is pathogenic, but additional data are needed to prove that conclusively. Therefore, this variant has been classified as Likely Pathogenic. Studies have shown that disruption of this splice site results in activation of a cryptic splice site and introduces a premature termination codon (Invitae). The resulting mRNA is expected to undergo nonsense-mediated decay. ClinVar contains an entry for this variant (Variation ID: 371548). This variant has not been reported in the literature in individuals affected with ATM-related conditions. This variant is not present in population databases (gnomAD no frequency). This sequence change affects an acceptor splice site in intron 11 of the ATM gene. RNA analysis indicates that disruption of this splice site induces altered splicing and may result in an absent or disrupted protein product.

Counsyl
Classification: Likely pathogenic for Ataxia-telangiectasia syndrome. Last evaluated: 2016-10-17. Review status: no assertion criteria provided. Collection method: clinical testing. Allele origin: unknown. Not counted in ClinVar's aggregate classification.

Genome Diagnostics Laboratory, University Medical Center Utrecht
Classification: Likely pathogenic. Review status: no assertion criteria provided. Collection method: clinical testing. Allele origin: germline. Affected: yes. Study: VKGL Data-share Consensus. Not counted in ClinVar's aggregate classification.

Joint Genome Diagnostic Labs from Nijmegen and Maastricht, Radboudumc and MUMC+
Classification: Likely pathogenic. Review status: no assertion criteria provided. Collection method: clinical testing. Allele origin: germline. Affected: yes. Study: VKGL Data-share Consensus. Not counted in ClinVar's aggregate classification.

Laboratory of Diagnostic Genome Analysis, Leiden University Medical Center (LUMC)
Classification: Likely pathogenic. Review status: no assertion criteria provided. Collection method: clinical testing. Allele origin: germline. Affected: yes. Study: VKGL Data-share Consensus. Not counted in ClinVar's aggregate classification.